The following is an entry in ClinVar:

NM_001353345.2(SETD1B):c.2433T>G (p.Phe811Leu)

Gene: SETD1B (SET domain containing 1B, histone lysine methyltransferase; plus strand). Cytogenetic location: 12q24.31.
Variant type: single nucleotide variant.
Coding change: c.2433T>G on transcript NM_001353345.2 (MANE Select); coding-DNA position 2433, T replaced by G.
Protein change: p.Phe811Leu; replaces phenylalanine 811 with leucine.
Molecular consequence: missense variant.
Genome position (GRCh38, 1-based): chr12:121,814,648, T>G. VCF-style: chr12-121814648-T-G. GRCh37 (hg19) VCF-style: chr12-122252554-T-G.
Other names: short protein forms F811L.
Identifiers: ClinVar variation 4885729 (VCV004885729.2).
Genomic context (GRCh38, chr12:121,814,648, plus strand): 5'-CTGCCCCTACCCGCCCTTCATGGCCGCTGCGGCCGCCGCTGCCTCAGCTGGGCTCCAGTT[T>G]GTCAACCTGCCGCCCTACCGGGGCCCCTTCTCCCTGAGCAACTCCGGCCCAGGCCGCGGG-3'
Protein context (NP_001340274.1, residues 801-821): AAAAASAGLQ[Phe811Leu]VNLPPYRGPF

ClinVar aggregate classification (germline): Uncertain significance (1 of 4 stars; one submission).

Submission:

Dasa
Classification: Uncertain significance. Last evaluated: 2024-12-30. Review status: criteria provided, single submitter. Criteria: DASA Assertion Criteria. Collection method: clinical testing. Allele origin: germline.
Comment: NM_001353345.2(SETD1B):c.2433T>G (p.Phe811Leu) is a missense variant that results in the substitution of phenylalanine with leucine. This variant is absent from population databases. The currently available literature and clinical evidence are not sufficient to establish a definitive association between this variant and the reported condition. Therefore, this variant is classified as a variant of uncertain significance.